The following is an entry in ClinVar:

NM_018075.5(ANO10):c.223T>A (p.Ser75Thr)

Gene: ANO10 (anoctamin 10; minus strand). Cytogenetic location: 3p21.33.
Variant type: single nucleotide variant.
Coding change: c.223T>A on transcript NM_018075.5 (MANE Select); coding-DNA position 223, T replaced by A.
Protein change: p.Ser75Thr; replaces serine 75 with threonine.
Molecular consequence: missense variant. On other transcripts: intron variant (4).
Genome position (GRCh38, 1-based): chr3:43,600,498, A>T on the plus strand (T>A on the coding strand, the complement: ANO10 is on the minus strand). VCF-style: chr3-43600498-A-T. GRCh37 (hg19) VCF-style: chr3-43641990-A-T.
Other names: c.223T>A, p.Ser75Thr (NM_001204831.3, NM_001204834.3, NM_001346463.2 and 4 more transcripts); c.140-1832T>A (NM_001346469.2, NM_001204832.3, NM_001346466.2); c.139+5216T>A (NM_001204833.3); short protein forms S75T.
Identifiers: ClinVar variation 931539 (VCV000931539.6), dbSNP rs191413952, ClinGen allele CA2341107.

ClinVar aggregate classification (germline): Uncertain significance. Review status: criteria provided, multiple submitters, no conflicts (2 of 4 stars). 3 submissions from 3 submitters: Uncertain significance (3). Last evaluated 2023-11-14.

Conditions:
Inborn genetic diseases. Identifiers: MedGen C0950123, MeSH D030342.
Autosomal recessive spinocerebellar ataxia 10. Identifiers: Orphanet 284289, MedGen C3150998, MONDO:0013392, OMIM 613728.

Allele frequency attached by ClinVar (database versions not stated): ExAC 0.00004; TOPMed 0.00009; gnomAD 0.00011; 1000 Genomes Project 30x 0.00016; 1000 Genomes Project 0.00020.
gnomAD v4.1: 138 of 1,613,868 alleles (0.0086%); highest among the groups gnomAD compares: Admixed American, 0.025%; no homozygotes.

Submissions (3):

Ambry Genetics
Classification: Uncertain significance for Inborn genetic diseases. Last evaluated: 2023-11-14. Review status: criteria provided, single submitter. Criteria: Ambry Variant Classification Scheme 2023. Collection method: clinical testing. Allele origin: germline.

GeneDx
Classification: Uncertain significance. Last evaluated: 2019-12-10. Review status: criteria provided, single submitter. Criteria: GeneDx Variant Classification Process June 2021. Collection method: clinical testing. Allele origin: germline. Affected: yes.
Comment: Not observed at a significant frequency in large population cohorts (Lek et al., 2016); In silico analysis, which includes protein predictors and evolutionary conservation, supports that this variant does not alter protein structure/function; Has not been previously published as pathogenic or benign to our knowledge

Centre for Mendelian Genomics, University Medical Centre Ljubljana
Classification: Uncertain significance for Autosomal recessive spinocerebellar ataxia 10. Last evaluated: 2019-08-14. Review status: criteria provided, single submitter. Criteria: ACMG Guidelines, 2015. Collection method: clinical testing. Allele origin: unknown. Affected: yes.
Comment: This variant was classified as: Uncertain significance. The available evidence on this variant's pathogenicity is insufficient or conflicting. The following ACMG criteria were applied in classifying this variant: PM2.